The following is an entry in ClinVar:

NM_001134831.2(AHI1):c.*19A>C

Gene: AHI1 (Abelson helper integration site 1; minus strand). Cytogenetic location: 6q23.3.
Variant type: single nucleotide variant.
Coding change: c.*19A>C on transcript NM_001134831.2 (MANE Select); 19 bases downstream of the stop codon, A replaced by C.
Molecular consequence: 3 prime UTR variant. On other transcripts: stop lost (1).
Genome position (GRCh38, 1-based): chr6:135,285,626, T>G on the plus strand (A>C on the coding strand, the complement: AHI1 is on the minus strand). VCF-style: chr6-135285626-T-G. GRCh37 (hg19) VCF-style: chr6-135606764-T-G.
Other names: c.*19A>C (NM_001134830.2, NM_001350503.2, NM_017651.5); c.3507A>C, p.Ter1169Tyr (NM_001350504.2).
Identifiers: ClinVar variation 4850865 (VCV004850865.1).
Genomic context (GRCh38, chr6:135,285,626, plus strand): 5'-AACTCTGAAGAGAAATTCCATTTGGTTTGTCATTTTCACCTCTGTGCATTTCGGCAGCTC[T>G]TAACTTTTCTTCAATTCTTTACTGGAAAGAAAAATACACAAAATGTACTAAATAAACTTG-3'

ClinVar aggregate classification (germline): Uncertain significance (1 of 4 stars; one submission).

Conditions:
Fetal anomalies with a likely genetic cause.

gnomAD v4.1: 23 of 1,607,438 alleles (0.0014%); highest among the groups gnomAD compares: Non-Finnish European, 0.002%; no homozygotes.

Submission:

Genetics Laboratory, Great Ormond Street Hospital NHS Foundation Trust, North Thames Genomic Laboratory Hub
Classification: Uncertain significance for Fetal anomalies with a likely genetic cause. Last evaluated: 2026-03-16. Review status: criteria provided, single submitter. Criteria: ACGS Best Practice Guidelines for Variant Classification in Rare Disease 2024 v1.2. Collection method: clinical testing. Allele origin: germline. Affected: yes.
Comment: PM2_moderate, PM4_moderate